The following is an entry in ClinVar:

NM_000353.3(TAT):c.1125+1del

Genes: TAT (tyrosine aminotransferase; minus strand), TAT-AS1 (TAT antisense RNA 1; plus strand). Cytogenetic location: 16q22.2.
Variant type: Deletion.
Coding change: c.1125+1del on transcript NM_000353.3 (MANE Select); the canonical splice donor site of the intron after coding-DNA position 1125, one base deleted (G; older notation c.1125+1delG).
Molecular consequence: splice donor variant.
Genome position (GRCh38, 1-based): chr16:71,569,853, C deleted on the plus strand (G on the coding strand, the reverse complement: TAT is on the minus strand); the first of 2 consecutive C bases (chr16:71,569,853-71,569,854); deleting either gives the same sequence. VCF-style (leftmost placement, unchanged base first): chr16-71569852-AC-A. GRCh37 (hg19) VCF-style: chr16-71603755-AC-A.
Identifiers: ClinVar variation 2129086 (VCV002129086.4), dbSNP rs2507661763, ClinGen allele CA2580092033.

ClinVar aggregate classification (germline): Pathogenic (1 of 4 stars; one submission).

Conditions:
Tyrosinemia type II (TYRSN2). Also called: KERATOSIS PALMOPLANTARIS WITH CORNEAL DYSTROPHY; OREGON TYPE TYROSINEMIA; TAT DEFICIENCY; TYROSINE AMINOTRANSFERASE DEFICIENCY; TYROSINE TRANSAMINASE DEFICIENCY. Identifiers: Orphanet 28378, MedGen C0268487, MONDO:0010160, OMIM 276600.

Submission:

Labcorp Genetics (formerly Invitae), Labcorp
Classification: Pathogenic for Tyrosinemia type II. Last evaluated: 2022-04-22. Review status: criteria provided, single submitter. Criteria: Invitae Variant Classification Sherloc (09022015). Collection method: clinical testing. Allele origin: germline.
Comment: For these reasons, this variant has been classified as Pathogenic. Algorithms developed to predict the effect of sequence changes on RNA splicing suggest that this variant may disrupt the consensus splice site. This variant is also known as c.1125+1del. This variant has not been reported in the literature in individuals affected with TAT-related conditions. This variant is not present in population databases (gnomAD no frequency). This sequence change creates a premature translational stop signal (p.Val376Leufs*21) in the TAT gene. It is expected to result in an absent or disrupted protein product. Loss-of-function variants in TAT are known to be pathogenic (PMID: 9544843).

Literature cited by the submitters: PubMed 9544843.